The following is an entry in ClinVar:

ClinVar aggregate classification (germline): Uncertain significance. Review status: criteria provided, multiple submitters, no conflicts (2 of 4 stars). 2 submissions from 2 submitters: Uncertain significance (2). Last evaluated 2026-06-23.

Conditions:
ATOH1-related disorder. Also called: ATOH1-related condition.

Submissions (2):

PreventionGenetics, part of Exact Sciences
Classification: Uncertain significance for ATOH1-related condition. Last evaluated: 2026-06-23. Review status: criteria provided, single submitter. Criteria: ACMG Guidelines, 2015. Collection method: clinical testing. Allele origin: germline.
Comment: The ATOH1 c.914T>G variant is predicted to result in the amino acid substitution p.Met305Arg. To our knowledge, this variant has not been reported in the literature. This variant is reported in 0.020% of alleles in individuals of African descent in gnomAD. At this time, the clinical significance of this variant is uncertain due to the absence of conclusive functional and genetic evidence.

Ambry Genetics
Classification: Uncertain significance. Last evaluated: 2024-09-20. Review status: criteria provided, single submitter. Criteria: Ambry Variant Classification Scheme 2023. Collection method: clinical testing. Allele origin: germline.

NM_005172.2(ATOH1):c.914T>G (p.Met305Arg)

Gene: ATOH1 (atonal bHLH transcription factor 1; plus strand). Cytogenetic location: 4q22.2.
Variant type: single nucleotide variant.
Coding change: c.914T>G on transcript NM_005172.2 (MANE Select); coding-DNA position 914, T replaced by G.
Protein change: p.Met305Arg; replaces methionine 305 with arginine.
Molecular consequence: missense variant.
Genome position (GRCh38, 1-based): chr4:93,829,840, T>G. VCF-style: chr4-93829840-T-G. GRCh37 (hg19) VCF-style: chr4-94750991-T-G.
Other names: short protein forms M305R.
Identifiers: ClinVar variation 3453482 (VCV003453482.2).